The following is an entry in ClinVar:

ClinVar aggregate classification (germline): Uncertain significance. Review status: criteria provided, multiple submitters, no conflicts (2 of 4 stars). 2 submissions from 2 submitters: Uncertain significance (2). Last evaluated 2025-02-24.

Allele frequency attached by ClinVar (database versions not stated): gnomAD exomes 0.00001.
gnomAD v4.1: 20 of 1,614,184 alleles (0.0012%); highest among the groups gnomAD compares: Non-Finnish European, 0.0017%; no homozygotes.

Submissions (2):

Labcorp Genetics (formerly Invitae), Labcorp
Classification: Uncertain significance. Last evaluated: 2025-02-24. Review status: criteria provided, single submitter. Criteria: Invitae Variant Classification Sherloc (09022015). Collection method: clinical testing. Allele origin: germline.
Comment: This sequence change replaces lysine, which is basic and polar, with arginine, which is basic and polar, at codon 799 of the SPECC1L protein (p.Lys799Arg). This variant is present in population databases (rs202117661, gnomAD 0.0009%). This variant has not been reported in the literature in individuals affected with SPECC1L-related conditions. ClinVar contains an entry for this variant (Variation ID: 2971188). An algorithm developed to predict the effect of missense changes on protein structure and function (PolyPhen-2) suggests that this variant is likely to be tolerated. In summary, the available evidence is currently insufficient to determine the role of this variant in disease. Therefore, it has been classified as a Variant of Uncertain Significance.

CeGaT Center for Human Genetics Tuebingen
Classification: Uncertain significance. Last evaluated: 2024-08-01. Review status: criteria provided, single submitter. Criteria: CeGaT Center For Human Genetics Tuebingen Variant Classification Criteria Version 2. Collection method: clinical testing. Allele origin: germline. Affected: yes. Observed: 1 variant allele.

NM_015330.6(SPECC1L):c.2396A>G (p.Lys799Arg)

Genes: SPECC1L-ADORA2A (SPECC1L-ADORA2A readthrough (NMD candidate); plus strand), SPECC1L (sperm antigen with calponin homology and coiled-coil domains 1 like; plus strand). Cytogenetic location: 22q11.23.
Variant type: single nucleotide variant.
Coding change: c.2396A>G on transcript NM_015330.6 (MANE Select); coding-DNA position 2396, A replaced by G.
Protein change: p.Lys799Arg; replaces lysine 799 with arginine.
Molecular consequence: missense variant. On other transcripts: non-coding transcript variant (1).
Genome position (GRCh38, 1-based): chr22:24,330,431, A>G. VCF-style: chr22-24330431-A-G. GRCh37 (hg19) VCF-style: chr22-24726399-A-G.
Other names: c.2396A>G, p.Lys799Arg (NM_001145468.4, NM_001254732.3); short protein forms K799R.
Identifiers: ClinVar variation 2971188 (VCV002971188.19), dbSNP rs202117661, ClinGen allele CA322654733.